The following is an entry in ClinVar:

NM_004982.4(KCNJ8):c.89G>A (p.Arg30His)

Genes: KCNJ8-AS1 (KCNJ8 antisense RNA 1; plus strand), KCNJ8 (potassium inwardly rectifying channel subfamily J member 8; minus strand). Cytogenetic location: 12p12.1.
Variant type: single nucleotide variant.
Coding change: c.89G>A on transcript NM_004982.4 (MANE Select); coding-DNA position 89, G replaced by A.
Protein change: p.Arg30His; replaces arginine 30 with histidine.
Molecular consequence: missense variant.
Genome position (GRCh38, 1-based): chr12:21,773,528, C>T on the plus strand (G>A on the coding strand, the complement: KCNJ8 is on the minus strand). VCF-style: chr12-21773528-C-T. GRCh37 (hg19) VCF-style: chr12-21926462-C-T.
Other names: short protein forms R30H.
Identifiers: ClinVar variation 2586228 (VCV002586228.2), dbSNP rs1940809321, ClinGen allele CA384132276.

ClinVar aggregate classification (germline): Uncertain significance (1 of 4 stars; one submission).

Conditions:
Cardiovascular phenotype. Identifiers: MedGen CN230736.

Allele frequency attached by ClinVar (database versions not stated): gnomAD exomes below 0.00001.

Submission:

Ambry Genetics
Classification: Uncertain significance for Cardiovascular phenotype. Last evaluated: 2023-08-11. Review status: criteria provided, single submitter. Criteria: Ambry Variant Classification Scheme 2023. Collection method: clinical testing. Allele origin: germline.
Comment: The p.R30H variant (also known as c.89G>A), located in coding exon 1 of the KCNJ8 gene, results from a G to A substitution at nucleotide position 89. The arginine at codon 30 is replaced by histidine, an amino acid with highly similar properties. This amino acid position is conserved. In addition, the in silico prediction for this alteration is inconclusive. Since supporting evidence is limited at this time, the clinical significance of this alteration remains unclear.